The following is an entry in ClinVar:

ClinVar aggregate classification (germline): Uncertain significance (1 of 4 stars; one submission).

Conditions:
Microcephaly, normal intelligence and immunodeficiency (NBS). Also called: Immunodeficiency, microcephaly with normal intelligence; Nijmegen breakage syndrome; Ataxia telangiectasia variant V1; SEEMANOVA SYNDROME II; BERLIN BREAKAGE SYNDROME; IMMUNODEFICIENCY, MICROCEPHALY, AND CHROMOSOMAL INSTABILITY. Identifiers: Orphanet 647, MedGen C0398791, MONDO:0009623, OMIM 251260.

Submission:

Labcorp Genetics (formerly Invitae), Labcorp
Classification: Uncertain significance for Microcephaly, normal intelligence and immunodeficiency. Last evaluated: 2019-07-23. Review status: criteria provided, single submitter. Criteria: Invitae Variant Classification Sherloc (09022015). Collection method: clinical testing. Allele origin: germline.
Comment: This sequence change replaces glutamic acid with aspartic acid at codon 309 of the NBN protein (p.Glu309Asp). The glutamic acid residue is highly conserved and there is a small physicochemical difference between glutamic acid and aspartic acid. This variant is not present in population databases (ExAC no frequency). This variant has not been reported in the literature in individuals with NBN-related conditions. Algorithms developed to predict the effect of missense changes on protein structure and function are either unavailable or do not agree on the potential impact of this missense change (SIFT: "Deleterious"; PolyPhen-2: "Probably Damaging"; Align-GVGD: "Class C0"). In summary, the available evidence is currently insufficient to determine the role of this variant in disease. Therefore, it has been classified as a Variant of Uncertain Significance.

NM_002485.5(NBN):c.927A>T (p.Glu309Asp)

Gene: NBN (nibrin; minus strand). Cytogenetic location: 8q21.3.
Variant type: single nucleotide variant.
Coding change: c.927A>T on transcript NM_002485.5 (MANE Select); coding-DNA position 927, A replaced by T.
Protein change: p.Glu309Asp; replaces glutamic acid 309 with aspartic acid.
Molecular consequence: missense variant.
Genome position (GRCh38, 1-based): chr8:89,964,477, T>A on the plus strand (A>T on the coding strand, the complement: NBN is on the minus strand). VCF-style: chr8-89964477-T-A. GRCh37 (hg19) VCF-style: chr8-90976705-T-A.
Other names: c.681A>T, p.Glu227Asp (NM_001024688.3); short protein forms E227D, E309D.
Identifiers: ClinVar variation 963860 (VCV000963860.9), dbSNP rs1811150445, ClinGen allele CA371657056.